The following is an entry in ClinVar:

NM_175053.4(KRT74):c.1426C>T (p.Pro476Ser)

Gene: KRT74 (keratin 74; minus strand). Cytogenetic location: 12q13.13.
Variant type: single nucleotide variant.
Coding change: c.1426C>T on transcript NM_175053.4 (MANE Select); coding-DNA position 1426, C replaced by T.
Protein change: p.Pro476Ser; replaces proline 476 with serine.
Molecular consequence: missense variant.
Genome position (GRCh38, 1-based): chr12:52,567,133, G>A on the plus strand (C>T on the coding strand, the complement: KRT74 is on the minus strand). VCF-style: chr12-52567133-G-A. GRCh37 (hg19) VCF-style: chr12-52960917-G-A.
Other names: short protein forms P476S.
Identifiers: ClinVar variation 729449 (VCV000729449.14), dbSNP rs148173615, ClinGen allele CA6583639.

ClinVar aggregate classification (germline): Benign/Likely benign. Review status: criteria provided, multiple submitters, no conflicts (2 of 4 stars). 4 submissions from 4 submitters: Benign (2); Likely benign (1). 1 of the submissions does not count toward it. Last evaluated 2026-01-21.

Conditions:
KRT74-related disorder. Also called: KRT74-related condition.

Allele frequency attached by ClinVar (database versions not stated): gnomAD exomes 0.00075 and 0.00126; ExAC 0.00114; 1000 Genomes Project 0.00140; gnomAD 0.00162 and 0.00170; ESP Exome Variant Server 0.00169; 1000 Genomes Project 30x 0.00172; TOPMed 0.00188.
gnomAD v4.1: 1,414 of 1,605,792 alleles (0.088%); highest among the groups gnomAD compares: Middle Eastern, 0.37%; 6 homozygotes.

Submissions (4):

Labcorp Genetics (formerly Invitae), Labcorp
Classification: Benign. Last evaluated: 2026-01-21. Review status: criteria provided, single submitter. Criteria: Invitae Variant Classification Sherloc (09022015). Collection method: clinical testing. Allele origin: germline.

Blueprint Genetics
Classification: Likely benign. Last evaluated: 2024-11-20. Review status: criteria provided, single submitter. Criteria: ACMG Guidelines, 2015. Collection method: clinical testing. Allele origin: germline.

Breakthrough Genomics
Classification: Benign. Review status: criteria provided, single submitter. Criteria: ACMG Guidelines, 2015. Collection method: not provided. Allele origin: germline. Inheritance: Autosomal recessive inheritance. Affected: yes.

PreventionGenetics, part of Exact Sciences
Classification: Benign for KRT74-related condition. Last evaluated: 2019-06-25. Review status: no assertion criteria provided. Collection method: clinical testing. Allele origin: germline. Not counted in ClinVar's aggregate classification.
Comment: This variant is classified as benign based on ACMG/AMP sequence variant interpretation guidelines (Richards et al. 2015 PMID: 25741868, with internal and published modifications).